The following is an entry in ClinVar:

NM_001458.5(FLNC):c.1509_1521del (p.Ala504fs)

Gene: FLNC (filamin C; plus strand). Cytogenetic location: 7q32.1.
Variant type: Deletion.
Coding change: c.1509_1521del on transcript NM_001458.5 (MANE Select); coding-DNA positions 1509 to 1521, 13 bases deleted (TGCCGGCAGCGGG).
Protein change: p.Ala504fs; shifts the reading frame from alanine 504.
Molecular consequence: frameshift variant.
Genome position (GRCh38, 1-based): chr7:128,840,120-128,840,132, TGCCGGCAGCGGG deleted; deleting any 13 consecutive bases within chr7:128,840,117-128,840,132 gives the same sequence; the c. name uses the placement nearest the transcript's 3' end. VCF-style (leftmost placement, unchanged base first): chr7-128840116-AGGGTGCCGGCAGC-A. GRCh37 (hg19) VCF-style: chr7-128480170-AGGGTGCCGGCAGC-A.
Other names: c.1509_1521del13 (NM_001458.4); c.1509_1521del, p.Ala504fs (NM_001127487.2); short protein forms A504fs.
Identifiers: ClinVar variation 3221700 (VCV003221700.1), dbSNP rs2536624852, ClinGen allele CA2825001523.

ClinVar aggregate classification (germline): Pathogenic (1 of 4 stars; one submission).

Conditions:
Cardiovascular phenotype. Identifiers: MedGen CN230736.

Submission:

Ambry Genetics
Classification: Pathogenic for Cardiovascular phenotype. Last evaluated: 2023-12-14. Review status: criteria provided, single submitter. Criteria: Ambry Variant Classification Scheme 2023. Collection method: clinical testing. Allele origin: germline.
Comment: The c.1509_1521del13 pathogenic mutation, located in coding exon 9 of the FLNC gene, results from a deletion of 13 nucleotides at nucleotide positions 1509 to 1521, causing a translational frameshift with a predicted alternate stop codon (p.A504Sfs*16). This variant is considered to be rare based on population cohorts in the Genome Aggregation Database (gnomAD). This alteration is expected to result in loss of function by premature protein truncation or nonsense-mediated mRNA decay. Based on the supporting evidence, this variant is expected to be causative of FLNC-related dilated cardiomyopathy; however, its clinical significance for FLNC-related hypertrophy/restrictive cardiomyopathy and/or skeletal myopathy is unclear.